The following is an entry in ClinVar:

NM_000138.5(FBN1):c.7004_7020del (p.Arg2335fs)

Gene: FBN1 (fibrillin 1; minus strand). Cytogenetic location: 15q21.1.
Variant type: Deletion.
Coding change: c.7004_7020del on transcript NM_000138.5 (MANE Select); coding-DNA positions 7004 to 7020, 17 bases deleted (GGGAAGGGTACTGCTTC).
Protein change: p.Arg2335fs; shifts the reading frame from arginine 2335.
Molecular consequence: frameshift variant.
Genome position (GRCh38, 1-based): chr15:48,427,751-48,427,767, GAAGCAGTACCCTTCCC deleted on the plus strand (GGGAAGGGTACTGCTTC on the coding strand, the reverse complement: FBN1 is on the minus strand); deleting any 17 consecutive bases within chr15:48,427,751-48,427,769 gives the same sequence; the c. name uses the placement nearest the transcript's 3' end. VCF-style (leftmost placement, unchanged base first): chr15-48427750-TGAAGCAGTACCCTTCCC-T. GRCh37 (hg19) VCF-style: chr15-48719947-TGAAGCAGTACCCTTCCC-T.
Other names: c.7004_7020del, p.Arg2335fs (NM_001406716.1); c.7004_7020del17 (NM_000138.4); short protein forms R2335fs.
Identifiers: ClinVar variation 3034047 (VCV003034047.2), dbSNP rs2505412815, ClinGen allele CA2695220266.

ClinVar aggregate classification (germline): Pathogenic (0 of 4 stars; one submission).

Conditions:
FBN1-related disorder. Also called: FBN1-related disorders.

Submission:

PreventionGenetics, part of Exact Sciences
Classification: Pathogenic for FBN1-related condition. Last evaluated: 2023-10-18. Review status: no assertion criteria provided. Collection method: clinical testing. Allele origin: germline.
Comment: The FBN1 c.7004_7020del17 variant is predicted to result in a frameshift and premature protein termination (p.Arg2335Hisfs*26). This variant was reported in a cohort of individuals with thoracic aortic dissection or rupture (Wolford et al. 2019. PubMed ID: 31211624). This variant has not been reported in a large population database, indicating this variant is rare. Frameshift variants in FBN1 are expected to be pathogenic. This variant is interpreted as pathogenic.